The following is an entry in ClinVar:

ClinVar aggregate classification (germline): Pathogenic (1 of 4 stars; one submission).

Conditions:
Arrhythmogenic cardiomyopathy with wooly hair and keratoderma. Also called: Arrhythmogenic cardiomyopathy with woolly hair and keratoderma; Carvajal syndrome; Dilated cardiomyopathy with woolly hair and keratoderma; PALMOPLANTAR KERATODERMA WITH LEFT VENTRICULAR CARDIOMYOPATHY AND WOOLLY HAIR. Identifiers: Orphanet 65282, MedGen C1854063, MONDO:0011581, OMIM 605676.
Arrhythmogenic right ventricular dysplasia 8 (ARVD8). Also called: ARRHYTHMOGENIC RIGHT VENTRICULAR DYSPLASIA, FAMILIAL, 8; ARRHYTHMOGENIC RIGHT VENTRICULAR CARDIOMYOPATHY 8; Arrhythmogenic Right Ventricular Dysplasia/Cardiomyopathy 8. Identifiers: MedGen C1843896, MONDO:0011831, OMIM 607450.

Submission:

Labcorp Genetics (formerly Invitae), Labcorp
Classification: Pathogenic for Arrhythmogenic cardiomyopathy with wooly hair and keratoderma; Arrhythmogenic right ventricular dysplasia 8. Last evaluated: 2021-10-24. Review status: criteria provided, single submitter. Criteria: Invitae Variant Classification Sherloc (09022015). Collection method: clinical testing. Allele origin: germline.
Comment: For these reasons, this variant has been classified as Pathogenic. Algorithms developed to predict the effect of sequence changes on RNA splicing suggest that this variant may create or strengthen a splice site. This variant has not been reported in the literature in individuals affected with DSP-related conditions. This variant is not present in population databases (gnomAD no frequency). This sequence change creates a premature translational stop signal (p.Glu671*) in the DSP gene. It is expected to result in an absent or disrupted protein product. Loss-of-function variants in DSP are known to be pathogenic (PMID: 20716751, 24503780, 25227139).

Literature cited by the submitters: PubMed 20716751; PubMed 24503780; PubMed 25227139.

NM_004415.4(DSP):c.2011G>T (p.Glu671Ter)

Gene: DSP (desmoplakin; plus strand). Cytogenetic location: 6p24.3.
Variant type: single nucleotide variant.
Coding change: c.2011G>T on transcript NM_004415.4 (MANE Select); coding-DNA position 2011, G replaced by T.
Protein change: p.Glu671Ter; replaces glutamic acid 671 with a stop codon.
Molecular consequence: nonsense.
Genome position (GRCh38, 1-based): chr6:7,571,949, G>T. VCF-style: chr6-7571949-G-T. GRCh37 (hg19) VCF-style: chr6-7572182-G-T.
Other names: c.2011G>T, p.Glu671Ter (NM_001008844.3, NM_001319034.2); short protein forms E671*.
Identifiers: ClinVar variation 1422161 (VCV001422161.6), dbSNP rs2113679972, ClinGen allele CA362680359.